The following is an entry in ClinVar:

ClinVar aggregate classification (germline): Uncertain significance (1 of 4 stars; one submission).

Conditions:
Inborn genetic diseases. Identifiers: MedGen C0950123, MeSH D030342.

gnomAD v4.1: 1 of 1,614,054 alleles (0.000062%); highest among the groups gnomAD compares: Non-Finnish European, 0.000085%; no homozygotes.

Submission:

Ambry Genetics
Classification: Uncertain significance for Inborn genetic diseases. Last evaluated: 2026-01-14. Review status: criteria provided, single submitter. Criteria: Ambry Variant Classification Scheme 2023. Collection method: clinical testing. Allele origin: germline.
Comment: The c.529A>G (p.I177V) alteration is located in exon 4 (coding exon 4) of the ITGB3 gene. This alteration results from a A to G substitution at nucleotide position 529, causing the isoleucine (I) at amino acid position 177 to be replaced by a valine (V). Based on data from gnomAD, the G allele has an overall frequency of <0.001% (1/251470) total alleles studied. The highest observed frequency was 0.001% (1/113752) of European (non-Finnish) alleles. Based on insufficient or conflicting evidence, the clinical significance of this alteration remains unclear.

NM_000212.3(ITGB3):c.529A>G (p.Ile177Val)

Gene: ITGB3 (integrin subunit beta 3; plus strand). Cytogenetic location: 17q21.32.
Variant type: single nucleotide variant.
Coding change: c.529A>G on transcript NM_000212.3 (MANE Select); coding-DNA position 529, A replaced by G.
Protein change: p.Ile177Val; replaces isoleucine 177 with valine.
Molecular consequence: missense variant.
Genome position (GRCh38, 1-based): chr17:47,284,610, A>G. VCF-style: chr17-47284610-A-G. GRCh37 (hg19) VCF-style: chr17-45361976-A-G.
Other names: short protein forms I177V.
Identifiers: ClinVar variation 4839324 (VCV004839324.1).